The following is an entry in ClinVar:

NM_004006.3(DMD):c.8353_8356del (p.Lys2785fs)

Gene: DMD (dystrophin; minus strand). Cytogenetic location: Xp21.1.
Variant type: Deletion.
Coding change: c.8353_8356del on transcript NM_004006.3 (MANE Select); coding-DNA positions 8353 to 8356, 4 bases deleted (AAGT; older notation c.8353_8356delAAGT).
Protein change: p.Lys2785fs; shifts the reading frame from lysine 2785.
Molecular consequence: frameshift variant.
Genome position (GRCh38, 1-based): chrX:31,507,315-31,507,318, ACTT deleted on the plus strand (AAGT on the coding strand, the reverse complement: DMD is on the minus strand). VCF-style (leftmost placement, unchanged base first): chrX-31507314-CACTT-C. GRCh37 (hg19) VCF-style: chrX-31525431-CACTT-C.
Other names: c.8329_8332del, p.Lys2777fs (NM_000109.4); c.8341_8344del, p.Lys2781fs (NM_004009.3); c.7984_7987del, p.Lys2662fs (NM_004010.3); c.4330_4333del, p.Lys1444fs (NM_004011.4); c.4321_4324del, p.Lys1441fs (NM_004012.4); c.973_976del, p.Lys325fs (NM_004013.3, NM_004020.4, NM_004021.3 and 2 more transcripts); c.166_169del, p.Lys56fs (NM_004014.3); short protein forms K1444fs, K2785fs, K325fs, K2781fs, K56fs, K2777fs, K1441fs, K2662fs.
Identifiers: ClinVar variation 4732766 (VCV004732766.1).

ClinVar aggregate classification (germline): Pathogenic (1 of 4 stars; one submission).

Conditions:
Duchenne muscular dystrophy (DMD). Also called: MUSCULAR DYSTROPHY, PSEUDOHYPERTROPHIC PROGRESSIVE, DUCHENNE TYPE; Duchenne Muscular Dystrophy (DMD). Identifiers: Orphanet 98896, MedGen C0013264, MONDO:0010679, OMIM 310200.

Submission:

Labcorp Genetics (formerly Invitae), Labcorp
Classification: Pathogenic for Duchenne muscular dystrophy. Last evaluated: 2026-01-11. Review status: criteria provided, single submitter. Criteria: Invitae Variant Classification Sherloc (09022015). Collection method: clinical testing. Allele origin: germline.
Comment: This sequence change creates a premature translational stop signal (p.Lys2785Glyfs*38) in the DMD gene. It is expected to result in an absent or disrupted protein product. Loss-of-function variants in DMD are known to be pathogenic (PMID: 16770791, 25007885). This variant is not present in population databases (gnomAD no frequency). This variant has not been reported in the literature in individuals affected with DMD-related conditions. For these reasons, this variant has been classified as Pathogenic.

Literature cited by the submitters: PubMed 16770791; PubMed 25007885.